The following is an entry in ClinVar:

NM_032043.3(BRIP1):c.644_645del (p.Cys214_Ser215insTer)

Gene: BRIP1 (BRCA1 interacting DNA helicase 1; minus strand). Cytogenetic location: 17q23.2.
Variant type: Deletion.
Coding change: c.644_645del on transcript NM_032043.3 (MANE Select); coding-DNA positions 644 to 645, 2 bases deleted (CT; older notation c.644_645delCT).
Protein change: p.Cys214_Ser215insTer.
Molecular consequence: nonsense.
Genome position (GRCh38, 1-based): chr17:61,808,740-61,808,741, AG deleted on the plus strand (CT on the coding strand, the reverse complement: BRIP1 is on the minus strand); deleting any 2 consecutive bases within chr17:61,808,740-61,808,742 gives the same sequence; the c. name uses the placement nearest the transcript's 3' end. VCF-style (leftmost placement, unchanged base first): chr17-61808739-TAG-T. GRCh37 (hg19) VCF-style: chr17-59886100-TAG-T.
Identifiers: ClinVar variation 838052 (VCV000838052.10), dbSNP rs2078117088, ClinGen allele CA916081918.

ClinVar aggregate classification (germline): Pathogenic. Review status: criteria provided, multiple submitters, no conflicts (2 of 4 stars). 2 submissions from 2 submitters: Pathogenic (2). Last evaluated 2024-06-02.

Conditions:
Familial cancer of breast. Also called: BREAST CANCER, FAMILIAL; hereditary breast carcinoma; Hereditary breast cancer. Identifiers: Orphanet 227535, MedGen C0346153, MONDO:0016419, OMIM 114480. Disease mechanism: loss of function.
Fanconi anemia complementation group J. Also called: BRIP1-Related Fanconi Anemia. Identifiers: Orphanet 84, MedGen C1836860, MONDO:0012187, OMIM 609054.

Submissions (2):

Labcorp Genetics (formerly Invitae), Labcorp
Classification: Pathogenic for Familial cancer of breast; Fanconi anemia complementation group J. Last evaluated: 2024-06-02. Review status: criteria provided, single submitter. Criteria: Invitae Variant Classification Sherloc (09022015). Collection method: clinical testing. Allele origin: germline.
Comment: This sequence change creates a premature translational stop signal (p.Ser215*) in the BRIP1 gene. It is expected to result in an absent or disrupted protein product. Loss-of-function variants in BRIP1 are known to be pathogenic (PMID: 16116423, 17033622, 21964575). This variant is not present in population databases (gnomAD no frequency). This variant has not been reported in the literature in individuals affected with BRIP1-related conditions. ClinVar contains an entry for this variant (Variation ID: 838052). For these reasons, this variant has been classified as Pathogenic.

Myriad Genetics, Inc.
Classification: Pathogenic for Familial cancer of breast. Last evaluated: 2023-05-31. Review status: criteria provided, single submitter. Criteria: Myriad Autosomal Dominant, Autosomal Recessive and X-Linked Classification Criteria (2023). Collection method: clinical testing. Allele origin: unknown.
Comment: This variant is considered pathogenic. This variant creates a termination codon and is predicted to result in premature protein truncation.

Literature cited by the submitters: PubMed 16116423 (cited by Labcorp Genetics (formerly Invitae), Labcorp); PubMed 17033622 (cited by Labcorp Genetics (formerly Invitae), Labcorp); PubMed 21964575 (cited by Labcorp Genetics (formerly Invitae), Labcorp).